The following is an entry in ClinVar:

ClinVar aggregate classification (germline): Uncertain significance (1 of 4 stars; one submission).

Conditions:
Primary ciliary dyskinesia. Also called: Ciliary dyskinesia. Identifiers: Orphanet 244, MedGen C0008780, MONDO:0016575, HP:0012265.

Submission:

Labcorp Genetics (formerly Invitae), Labcorp
Classification: Uncertain significance for Primary ciliary dyskinesia. Last evaluated: 2022-11-29. Review status: criteria provided, single submitter. Criteria: Invitae Variant Classification Sherloc (09022015). Collection method: clinical testing. Allele origin: germline.
Comment: This variant, c.8579_8582delinsACAG, is a complex sequence change that results in the deletion of 2 and insertion of 2 amino acid(s) in the DNAH11 protein (p.Gly2860_Lys2861delinsAspArg). In summary, the available evidence is currently insufficient to determine the role of this variant in disease. Therefore, it has been classified as a Variant of Uncertain Significance. Experimental studies and prediction algorithms are not available or were not evaluated, and the functional significance of this variant is currently unknown. This variant has been observed in individual(s) with clinical features of primary ciliary dyskinesia (Invitae). In at least one individual the data is consistent with being in trans (on the opposite chromosome) from a pathogenic variant. Information on the frequency of this variant in the gnomAD database is not available, as this variant may be reported differently in the database.

NM_001277115.2(DNAH11):c.8579_8582delinsACAG (p.Gly2860_Lys2861delinsAspArg)

Gene: DNAH11 (dynein axonemal heavy chain 11; plus strand). Cytogenetic location: 7p15.3.
Variant type: Indel.
Coding change: c.8579_8582delinsACAG on transcript NM_001277115.2 (MANE Select); coding-DNA positions 8579 to 8582, GCAA replaced by ACAG.
Protein change: p.Gly2860_Lys2861delinsAspArg.
Molecular consequence: missense variant.
Genome position (GRCh38, 1-based): chr7:21,748,648-21,748,651, GCAA replaced by ACAG. VCF-style: chr7-21748648-GCAA-ACAG. GRCh37 (hg19) VCF-style: chr7-21788266-GCAA-ACAG.
Identifiers: ClinVar variation 410848 (VCV000410848.5), dbSNP rs1060503060, ClinGen allele CA16612218.